The following is an entry in ClinVar:

ClinVar aggregate classification (germline): Uncertain significance (1 of 4 stars; one submission).

Conditions:
Hereditary breast ovarian cancer syndrome. Also called: Hereditary breast and ovarian cancer syndrome (HBOC); Breast and ovarian cancer; Hereditary breast and ovarian cancer syndrome; Hereditary breast and ovarian cancer; Hereditary breast and/or ovarian cancer syndrome; BRCA1- and BRCA2-Associated Hereditary Breast and Ovarian Cancer. Identifiers: Orphanet 145, MedGen C0677776, MeSH D061325, MONDO:0003582. Disease mechanism: loss of function.

Submission:

Labcorp Genetics (formerly Invitae), Labcorp
Classification: Uncertain significance for Hereditary breast ovarian cancer syndrome. Last evaluated: 2021-07-15. Review status: criteria provided, single submitter. Criteria: Invitae Variant Classification Sherloc (09022015). Collection method: clinical testing. Allele origin: germline.
Comment: In summary, the exact genomic location of this variant is unknown and the impact of this duplication on BRCA1 protein function has not been established. Therefore, it has been classified as a Variant of Uncertain Significance. Experimental studies and prediction algorithms are not available for this variant, and the functional significance of this duplication is currently unknown. Copy number gains involving exon 2 of the BRCA1 gene have been reported in individuals with breast and/or ovarian cancer (PMID: 19894111, 23996866, 24686251). This copy number variant is a gain of the genomic region encompassing exon 2 of the BRCA1 gene. The 5' end of this event is unknown as it extends beyond the assayed region for this gene and therefore may encompass additional genes. The 3' boundary is likely confined to intron 2 of the BRCA1 gene.

Literature cited by the submitters: PubMed 19894111; PubMed 23996866; PubMed 24686251.

NC_000017.10:g.(?_41276028)_(41276119_?)dup

Gene: BRCA1 (BRCA1 DNA repair associated; minus strand). Cytogenetic location: 17q21.31.
Variant type: Duplication.
Identifiers: ClinVar variation 1042273 (VCV001042273.3).